The following is an entry in ClinVar:

ClinVar aggregate classification (germline): Conflicting classifications of pathogenicity. Review status: criteria provided, conflicting classifications (1 of 4 stars). 3 submissions from 3 submitters: Pathogenic (1); Likely pathogenic (1); Uncertain significance (1). Last evaluated 2024-10-23.

Conditions:
Gastrointestinal stromal tumor. Also called: Gastrointestinal stromal tumor, somatic; Gastrointestinal stroma tumor. Identifiers: Orphanet 44890, MedGen C0238198, MeSH D046152, MONDO:0011719, OMIM 606764, HP:0100723.
Pheochromocytoma/paraganglioma syndrome 4. Also called: CAROTID BODY TUMORS AND MULTIPLE EXTRAADRENAL PHEOCHROMOCYTOMAS; SDHB-Related Hereditary Paraganglioma-Pheochromocytoma Syndrome; Paragangliomas 4; SDHB-Related Hereditary Paraganglioma-Pheochromocytoma Syndrome (Paragangliomas 4); PARAGANGLIOMA, FAMILIAL MALIGNANT; PARAGANGLIOMAS, HEREDITARY EXTRAADRENAL. Identifiers: Orphanet 29072, MedGen C1861848, MONDO:0007273, OMIM 115310.
Pheochromocytoma. Also called: MAX-Related Hereditary Paraganglioma-Pheochromocytoma Syndrome. Identifiers: Orphanet 29072, MedGen C0031511, MONDO:0008233, OMIM 171300, HP:0002666.

Submissions (3):

Myriad Genetics, Inc.
Classification: Likely pathogenic for Pheochromocytoma/paraganglioma syndrome 4. Last evaluated: 2024-10-23. Review status: criteria provided, single submitter. Criteria: Myriad Autosomal Dominant, Autosomal Recessive and X-Linked Classification Criteria (2023). Collection method: clinical testing. Allele origin: unknown.
Comment: This variant is considered likely pathogenic. This variant has been reported in multiple individuals with clinical features of gene-specific disease [PMID: 19454582, 22517557, 34906457]. Functional studies indicate this variant impacts protein function [PMID: 26719882]. This variant is expected to disrupt protein structure [Myriad internal data].

Molecular Pathology, Peter Maccallum Cancer Centre
Classification: Pathogenic for Pheochromocytoma/paraganglioma syndrome 4. Last evaluated: 2024-06-05. Review status: criteria provided, single submitter. Criteria: ACMG Guidelines, 2015. Collection method: clinical testing. Allele origin: germline. Inheritance: Autosomal dominant inheritance.

Labcorp Genetics (formerly Invitae), Labcorp
Classification: Uncertain significance for Gastrointestinal stromal tumor; Pheochromocytoma/paraganglioma syndrome 4; Pheochromocytoma. Last evaluated: 2019-08-10. Review status: criteria provided, single submitter. Criteria: Invitae Variant Classification Sherloc (09022015). Collection method: clinical testing. Allele origin: germline.
Comment: This variant has been observed in several individuals affected with paraganglioma (PMID: 19454582, 26719882). This sequence change replaces cysteine with arginine at codon 189 of the SDHB protein (p.Cys189Arg). The cysteine residue is highly conserved and there is a large physicochemical difference between cysteine and arginine. This variant is not present in population databases (ExAC no frequency). This variant has been reported to affect SDHB protein function (PMID: 26719882). In summary, the available evidence is currently insufficient to determine the role of this variant in disease. Therefore, it has been classified as a Variant of Uncertain Significance.

Literature cited by the submitters: PubMed 19454582 (cited by Myriad Genetics, Inc. and Labcorp Genetics (formerly Invitae), Labcorp); PubMed 22517557 (cited by Myriad Genetics, Inc.); PubMed 34906457 (cited by Myriad Genetics, Inc.); PubMed 26719882 (cited by Myriad Genetics, Inc. and Labcorp Genetics (formerly Invitae), Labcorp).

NM_003000.3(SDHB):c.565T>C (p.Cys189Arg)

Gene: SDHB (succinate dehydrogenase complex iron sulfur subunit B; minus strand). Cytogenetic location: 1p36.13.
Variant type: single nucleotide variant.
Coding change: c.565T>C on transcript NM_003000.3 (MANE Select); coding-DNA position 565, T replaced by C.
Protein change: p.Cys189Arg; replaces cysteine 189 with arginine.
Molecular consequence: missense variant.
Genome position (GRCh38, 1-based): chr1:17,024,050, A>G on the plus strand (T>C on the coding strand, the complement: SDHB is on the minus strand). VCF-style: chr1-17024050-A-G. GRCh37 (hg19) VCF-style: chr1-17350545-A-G.
Other names: short protein forms C189R.
Identifiers: ClinVar variation 952708 (VCV000952708.9), dbSNP rs2077978513, ClinGen allele CA338271320.